The following is an entry in ClinVar:

ClinVar aggregate classification (germline): Uncertain significance (1 of 4 stars; one submission).

Conditions:
Hereditary cancer-predisposing syndrome. Also called: Neoplastic Syndromes, Hereditary; Tumor predisposition; Hereditary Cancer Syndrome; Hereditary neoplastic syndrome. Identifiers: Orphanet 140162, MedGen C0027672, MeSH D009386, MONDO:0015356.

Submission:

Ambry Genetics
Classification: Uncertain significance for Hereditary cancer-predisposing syndrome. Last evaluated: 2024-09-05. Review status: criteria provided, single submitter. Criteria: Ambry Variant Classification Scheme 2023. Collection method: clinical testing. Allele origin: germline.
Comment: The p.P2559R variant (also known as c.7676C>G), located in coding exon 15 of the APC gene, results from a C to G substitution at nucleotide position 7676. The proline at codon 2559 is replaced by arginine, an amino acid with dissimilar properties. This amino acid position is highly conserved in available vertebrate species. In addition, in silico predictors for this gene do not accurately predict pathogenicity. Missense alterations in APC are not a common cause of disease (Spier I et al. Genet Med. 2024 Feb;26(2):100992). Based on the available evidence, the clinical significance of this variant remains unclear.

NM_000038.6(APC):c.7676C>G (p.Pro2559Arg)

Gene: APC (APC regulator of Wnt signaling pathway; plus strand). Cytogenetic location: 5q22.2.
Variant type: single nucleotide variant.
Coding change: c.7676C>G on transcript NM_000038.6 (MANE Select); coding-DNA position 7676, C replaced by G.
Protein change: p.Pro2559Arg; replaces proline 2559 with arginine.
Molecular consequence: missense variant. On other transcripts: non-coding transcript variant (2).
Genome position (GRCh38, 1-based): chr5:112,843,270, C>G. VCF-style: chr5-112843270-C-G. GRCh37 (hg19) VCF-style: chr5-112178967-C-G.
Other names: c.7676C>G, p.Pro2559Arg (NM_001127510.3, NM_001354895.2, NM_001407450.1); c.7622C>G, p.Pro2541Arg (NM_001127511.3); c.7730C>G, p.Pro2577Arg (NM_001354896.2, NM_001407447.1, NM_001407448.1 and 1 more transcripts); c.7706C>G, p.Pro2569Arg (NM_001354897.2); c.7601C>G, p.Pro2534Arg (NM_001354898.2); c.7592C>G, p.Pro2531Arg (NM_001354899.2); c.7553C>G, p.Pro2518Arg (NM_001354900.2); c.7499C>G, p.Pro2500Arg (NM_001354901.2, NM_001407453.1); and 11 more; short protein forms P2430R, P2433R, P2531R, P2534R, P2552R, P2559R, P2569R, P2587R.
Identifiers: ClinVar variation 3410482 (VCV003410482.1).